The following is an entry in ClinVar:

NM_004100.5(EYA4):c.686C>T (p.Pro229Leu)

Gene: EYA4 (EYA transcriptional coactivator and phosphatase 4; plus strand). Cytogenetic location: 6q23.2.
Variant type: single nucleotide variant.
Coding change: c.686C>T on transcript NM_004100.5 (MANE Select); coding-DNA position 686, C replaced by T.
Protein change: p.Pro229Leu; replaces proline 229 with leucine.
Molecular consequence: missense variant.
Genome position (GRCh38, 1-based): chr6:133,462,726, C>T. VCF-style: chr6-133462726-C-T. GRCh37 (hg19) VCF-style: chr6-133783864-C-T.
Other names: c.524C>T, p.Pro175Leu (NM_001301012.2, NM_001370459.1); c.686C>T, p.Pro229Leu (NM_001301013.2, NM_172105.4); c.617C>T, p.Pro206Leu (NM_001370458.1, NM_172103.4); short protein forms P229L, P175L, P206L.
Identifiers: ClinVar variation 1418270 (VCV001418270.11), dbSNP rs769220102, ClinGen allele CA4008128.

ClinVar aggregate classification (germline): Uncertain significance. Review status: criteria provided, multiple submitters, no conflicts (2 of 4 stars). 4 submissions from 4 submitters: Uncertain significance (4). Last evaluated 2025-06-15.

Conditions:
Dilated cardiomyopathy 1J (CMD1J). Also called: CARDIOMYOPATHY, DILATED, WITH SENSORINEURAL HEARING LOSS, AUTOSOMAL DOMINANT. Identifiers: Orphanet 217622, MedGen C1854368, MONDO:0011541, OMIM 605362.
Cardiovascular phenotype. Identifiers: MedGen CN230736.
Autosomal dominant nonsyndromic hearing loss 10. Identifiers: Orphanet 90635, MedGen C1832476, MONDO:0011031, OMIM 601316.

Allele frequency attached by ClinVar (database versions not stated): TOPMed below 0.00001; ExAC 0.00003.
gnomAD v4.1: 15 of 1,613,912 alleles (0.00093%); highest among the groups gnomAD compares: Admixed American, 0.015%; no homozygotes.

Submissions (4):

Labcorp Genetics (formerly Invitae), Labcorp
Classification: Uncertain significance for Dilated cardiomyopathy 1J. Last evaluated: 2025-06-15. Review status: criteria provided, single submitter. Criteria: Invitae Variant Classification Sherloc (09022015). Collection method: clinical testing. Allele origin: germline.
Comment: This sequence change replaces proline, which is neutral and non-polar, with leucine, which is neutral and non-polar, at codon 229 of the EYA4 protein (p.Pro229Leu). This variant is present in population databases (rs769220102, gnomAD 0.02%). This variant has not been reported in the literature in individuals affected with EYA4-related conditions. ClinVar contains an entry for this variant (Variation ID: 1418270). Invitae Evidence Modeling of protein sequence and biophysical properties (such as structural, functional, and spatial information, amino acid conservation, physicochemical variation, residue mobility, and thermodynamic stability) indicates that this missense variant is not expected to disrupt EYA4 protein function with a negative predictive value of 80%. In summary, the available evidence is currently insufficient to determine the role of this variant in disease. Therefore, it has been classified as a Variant of Uncertain Significance.

Ambry Genetics
Classification: Uncertain significance for Cardiovascular phenotype. Last evaluated: 2023-10-26. Review status: criteria provided, single submitter. Criteria: Ambry Variant Classification Scheme 2023. Collection method: clinical testing. Allele origin: germline.
Comment: The p.P229L variant (also known as c.686C>T), located in coding exon 8 of the EYA4 gene, results from a C to T substitution at nucleotide position 686. The proline at codon 229 is replaced by leucine, an amino acid with similar properties. This amino acid position is conserved. In addition, this alteration is predicted to be deleterious by in silico analysis. Since supporting evidence is limited at this time, the clinical significance of this alteration remains unclear.

GeneDx
Classification: Uncertain significance. Last evaluated: 2022-03-02. Review status: criteria provided, single submitter. Criteria: GeneDx Variant Classification Process June 2021. Collection method: clinical testing. Allele origin: germline. Affected: yes.
Comment: In silico analysis supports that this missense variant has a deleterious effect on protein structure/function; Has not been previously published as pathogenic or benign to our knowledge

Fulgent Genetics
Classification: Uncertain significance for Autosomal dominant nonsyndromic hearing loss 10; Dilated cardiomyopathy 1J. Last evaluated: 2022-02-10. Review status: criteria provided, single submitter. Criteria: ACMG Guidelines, 2015. Collection method: clinical testing. Allele origin: unknown.